The following is an entry in ClinVar:

ClinVar aggregate classification (germline): Conflicting classifications of pathogenicity. Review status: criteria provided, conflicting classifications (1 of 4 stars). 2 submissions from 2 submitters: Uncertain significance (1); Benign (1). Last evaluated 2023-12-09.

Allele frequency attached by ClinVar (database versions not stated): gnomAD exomes 0.00008; ExAC 0.00027; 1000 Genomes Project 30x 0.00047; 1000 Genomes Project 0.00060; gnomAD 0.00086; TOPMed 0.00100; ESP Exome Variant Server 0.00104.
gnomAD v4.1: 266 of 1,613,546 alleles (0.016%); highest among the groups gnomAD compares: African/African-American, 0.26%; 1 homozygote.

Submissions (2):

Ambry Genetics
Classification: Uncertain significance. Last evaluated: 2023-12-09. Review status: criteria provided, single submitter. Criteria: Ambry Variant Classification Scheme 2023. Collection method: clinical testing. Allele origin: germline.

CeGaT Center for Human Genetics Tuebingen
Classification: Benign. Last evaluated: 2023-07-01. Review status: criteria provided, single submitter. Criteria: CeGaT Center For Human Genetics Tuebingen Variant Classification Criteria Version 2. Collection method: clinical testing. Allele origin: germline. Affected: yes. Observed: 1 variant allele.
Comment: AHNAK2: BS1, BS2

NM_138420.4(AHNAK2):c.15286A>G (p.Ser5096Gly)

Gene: AHNAK2 (AHNAK nucleoprotein 2; minus strand). Cytogenetic location: 14q32.33.
Variant type: single nucleotide variant.
Coding change: c.15286A>G on transcript NM_138420.4 (MANE Select); coding-DNA position 15286, A replaced by G.
Protein change: p.Ser5096Gly; replaces serine 5096 with glycine.
Molecular consequence: missense variant.
Genome position (GRCh38, 1-based): chr14:104,940,165, T>C on the plus strand (A>G on the coding strand, the complement: AHNAK2 is on the minus strand). VCF-style: chr14-104940165-T-C. GRCh37 (hg19) VCF-style: chr14-105406502-T-C.
Other names: c.14986A>G, p.Ser4996Gly (NM_001350929.2); short protein forms S5096G, S4996G.
Identifiers: ClinVar variation 2214035 (VCV002214035.26), dbSNP rs187345878, ClinGen allele CA7377492.